The following is an entry in ClinVar:

ClinVar aggregate classification (germline): Uncertain significance. Review status: criteria provided, multiple submitters, no conflicts (2 of 4 stars). 2 submissions from 2 submitters: Uncertain significance (2). Last evaluated 2026-07-07.

Conditions:
Hereditary cancer-predisposing syndrome. Also called: Hereditary Cancer Syndrome; Hereditary neoplastic syndrome; Neoplastic Syndromes, Hereditary; Tumor predisposition. Identifiers: Orphanet 140162, MedGen C0027672, MeSH D009386, MONDO:0015356.
Juvenile polyposis syndrome (JPS). Identifiers: Orphanet 2929, MedGen C0345893, MONDO:0017380, OMIM 174900.

Submissions (2):

Ambry Genetics
Classification: Uncertain significance for Hereditary cancer-predisposing syndrome. Last evaluated: 2026-07-07. Review status: criteria provided, single submitter. Criteria: Ambry Variant Classification Scheme 2023. Collection method: clinical testing. Allele origin: germline.
Comment: The p.K477T variant (also known as c.1430A>C), located in coding exon 10 of the BMPR1A gene, results from an A to C substitution at nucleotide position 1430. The lysine at codon 477 is replaced by threonine, an amino acid with similar properties. This amino acid position is conserved. In addition, the in silico prediction for this alteration is inconclusive. Based on the available evidence, the clinical significance of this variant remains unclear.

Labcorp Genetics (formerly Invitae), Labcorp
Classification: Uncertain significance for Juvenile polyposis syndrome. Last evaluated: 2023-09-08. Review status: criteria provided, single submitter. Criteria: Invitae Variant Classification Sherloc (09022015). Collection method: clinical testing. Allele origin: germline.
Comment: This variant has not been reported in the literature in individuals affected with BMPR1A-related conditions. In summary, the available evidence is currently insufficient to determine the role of this variant in disease. Therefore, it has been classified as a Variant of Uncertain Significance. Advanced modeling of protein sequence and biophysical properties (such as structural, functional, and spatial information, amino acid conservation, physicochemical variation, residue mobility, and thermodynamic stability) has been performed at Invitae for this missense variant, however the output from this modeling did not meet the statistical confidence thresholds required to predict the impact of this variant on BMPR1A protein function. This variant is not present in population databases (gnomAD no frequency). This sequence change replaces lysine, which is basic and polar, with threonine, which is neutral and polar, at codon 477 of the BMPR1A protein (p.Lys477Thr).

NM_004329.3(BMPR1A):c.1430A>C (p.Lys477Thr)

Gene: BMPR1A (bone morphogenetic protein receptor type 1A; plus strand). Cytogenetic location: 10q23.2.
Variant type: single nucleotide variant.
Coding change: c.1430A>C on transcript NM_004329.3 (MANE Select); coding-DNA position 1430, A replaced by C.
Protein change: p.Lys477Thr; replaces lysine 477 with threonine.
Molecular consequence: missense variant. On other transcripts: non-coding transcript variant (3).
Genome position (GRCh38, 1-based): chr10:86,923,463, A>C. VCF-style: chr10-86923463-A-C. GRCh37 (hg19) VCF-style: chr10-88683220-A-C.
Other names: c.1346A>C, p.Lys449Thr (NM_001406584.1, NM_001406585.1, NM_001406586.1 and 2 more transcripts); c.1088A>C, p.Lys363Thr (NM_001406589.1); c.1430A>C, p.Lys477Thr (NM_001406574.1, NM_001406575.1, NM_001406576.1 and 19 more transcripts); c.1424A>C, p.Lys475Thr (NM_001406583.1); c.1505A>C, p.Lys502Thr (NM_001406559.1); c.1478A>C, p.Lys493Thr (NM_001406560.1); short protein forms K493T, K449T, K477T, K363T, K502T, K475T.
Identifiers: ClinVar variation 2758876 (VCV002758876.4), dbSNP rs767995260, ClinGen allele CA377463064.
Genomic context (GRCh38, chr10:86,923,463, plus strand): 5'-ATTACAACATGGTACCGAGTGATCCGTCATACGAAGATATGCGTGAGGTTGTGTGTGTCA[A>C]ACGTTTGCGGCCAATTGTGTCTAATCGGTGGAACAGTGATGAAGTGAGTGGAACTCAGTC-3'
Protein context (NP_004320.2, residues 467-487): YEDMREVVCV[Lys477Thr]RLRPIVSNRW